The following is an entry in ClinVar:

ClinVar aggregate classification (germline): Likely benign. Review status: criteria provided, single submitter (1 of 4 stars). 2 submissions from 2 submitters: Likely benign (1). 1 of the submissions does not count toward it. Last evaluated 2025-11-18.

Conditions:
TBX3-related disorder. Also called: TBX3-related condition.
Ulnar-mammary syndrome (UMS). Also called: Ulnar-mammary syndrome of Pallister; PALLISTER ULNAR-MAMMARY SYNDROME; SCHINZEL SYNDROME. Identifiers: Orphanet 3138, MedGen C1866994, MONDO:0008411, OMIM 181450.

Allele frequency attached by ClinVar (database versions not stated): gnomAD exomes 0.00002; ExAC 0.00007; gnomAD 0.00015; TOPMed 0.00022; ESP Exome Variant Server 0.00038.
gnomAD v4.1: 52 of 1,613,834 alleles (0.0032%); highest among the groups gnomAD compares: African/African-American, 0.059%; no homozygotes.

Submissions (2):

Labcorp Genetics (formerly Invitae), Labcorp
Classification: Likely benign for Ulnar-mammary syndrome. Last evaluated: 2025-11-18. Review status: criteria provided, single submitter. Criteria: Invitae Variant Classification Sherloc (09022015). Collection method: clinical testing. Allele origin: germline.

PreventionGenetics, part of Exact Sciences
Classification: Likely benign for TBX3-related condition. Last evaluated: 2021-07-12. Review status: no assertion criteria provided. Collection method: clinical testing. Allele origin: germline. Not counted in ClinVar's aggregate classification.
Comment: This variant is classified as likely benign based on ACMG/AMP sequence variant interpretation guidelines (Richards et al. 2015 PMID: 25741868, with internal and published modifications).

NM_005996.4(TBX3):c.390-4A>G

Gene: TBX3 (T-box transcription factor 3; minus strand). Cytogenetic location: 12q24.21.
Variant type: single nucleotide variant.
Coding change: c.390-4A>G on transcript NM_005996.4 (MANE Select); 4 bases into the intron before coding-DNA position 390, A replaced by G.
Molecular consequence: intron variant.
Genome position (GRCh38, 1-based): chr12:114,681,150, T>C on the plus strand (A>G on the coding strand, the complement: TBX3 is on the minus strand). VCF-style: chr12-114681150-T-C. GRCh37 (hg19) VCF-style: chr12-115118955-T-C.
Other names: c.390-4A>G (NM_016569.4, NM_016569.3).
Identifiers: ClinVar variation 2061439 (VCV002061439.6), dbSNP rs373887397, ClinGen allele CA6810195.